The following is an entry in ClinVar:

NC_012920.1(MT-ND1):m.4129A>G

Gene: MT-ND1 (mitochondrially encoded NADH dehydrogenase 1; plus strand).
Variant type: single nucleotide variant.
Genome position: chrM-4129-A-G.
Identifiers: ClinVar variation 692426 (VCV000692426.1), dbSNP rs201832206, ClinGen allele CA337096803.
Genomic context (GRCh38, chrMT:4,129, plus strand): 5'-TACACAACATATTTTGTCACCAAGACCCTACTTCTAACCTCCCTGTTCTTATGAATTCGA[A>G]CAGCATACCCCCGATTCCGCTACGACCAACTCATACACCTCCTATGAAAAAACTTCCTAC-3'

ClinVar aggregate classification (germline): Benign (1 of 4 stars; one submission).

Conditions:
Leigh syndrome (NULS). Also called: Leigh's necrotizing encephalopathy; Leigh's disease; Leigh Syndrome (mtDNA deletion); Leigh Disease; Subacute necrotizing encephalopathy; Necrotizing encephalopathy infantile subacute of Leigh. Identifiers: Orphanet 506, MedGen C2931891, MONDO:0009723, OMIM 256000.

Submission:

Wong Mito Lab, Molecular and Human Genetics, Baylor College of Medicine
Classification: Benign for Leigh syndrome. Last evaluated: 2019-10-17. Review status: criteria provided, single submitter. Criteria: Modified ACMG Guidelines (Unpublished). Collection method: clinical testing. Allele origin: germline.
Comment: The NC_012920.1:m.4129A>G (YP_003024026.1:p.Thr275Ala) variant in MTND1 gene is interpretated to be a Benign variant based on the modified ACMG guidelines (unpublished). This variant meets the following evidence codes: BS1, BS2, BP4